The following is an entry in ClinVar:

ClinVar aggregate classification (germline): Pathogenic (0 of 4 stars; one submission).

Conditions:
Peroxisome biogenesis disorder 4B (PBD4B). Also called: SPINOCEREBELLAR ATAXIA WITH BLINDNESS AND DEAFNESS 1. Identifiers: Orphanet 44, Orphanet 95433, MedGen C3553937, MONDO:0013931, OMIM 614863.

Submission:

OMIM
Classification: Pathogenic for PEROXISOME BIOGENESIS DISORDER 4B. Last evaluated: 2023-09-29. Review status: no assertion criteria provided. Collection method: literature only. Allele origin: germline.

Literature cited by the submitters: PubMed 29220678.

NM_000287.4(PEX6):c.[*438TAAA[1];2578C>T]

Variant type: Haplotype.
Identifiers: ClinVar variation 2627659 (VCV002627659.9).